The following is an entry in ClinVar:

ClinVar aggregate classification (germline): Uncertain significance. Review status: criteria provided, multiple submitters, no conflicts (2 of 4 stars). 2 submissions from 2 submitters: Uncertain significance (2). Last evaluated 2025-12-03.

Conditions:
Immunodeficiency 132A. Also called: Herpes simplex encephalitis, susceptibility to, 3. Identifiers: Orphanet 1930, MedGen C3553868, MONDO:0013920, OMIM 614849.

Allele frequency attached by ClinVar (database versions not stated): TOPMed 0.00002; gnomAD 0.00002 and 0.00001.
gnomAD v4.1: 3 of 1,614,068 alleles (0.00019%); highest among the groups gnomAD compares: Admixed American, 0.0017%; no homozygotes.

Submissions (2):

Ambry Genetics
Classification: Uncertain significance. Last evaluated: 2025-12-03. Review status: criteria provided, single submitter. Criteria: Ambry Variant Classification Scheme 2023. Collection method: clinical testing. Allele origin: germline.

Labcorp Genetics (formerly Invitae), Labcorp
Classification: Uncertain significance for Immunodeficiency 132A. Last evaluated: 2025-06-13. Review status: criteria provided, single submitter. Criteria: Invitae Variant Classification Sherloc (09022015). Collection method: clinical testing. Allele origin: germline.
Comment: This sequence change replaces aspartic acid, which is acidic and polar, with glutamic acid, which is acidic and polar, at codon 152 of the TRAF3 protein (p.Asp152Glu). This variant is not present in population databases (gnomAD no frequency). This variant has not been reported in the literature in individuals affected with TRAF3-related conditions. ClinVar contains an entry for this variant (Variation ID: 1499904). An algorithm developed to predict the effect of missense changes on protein structure and function (PolyPhen-2) suggests that this variant is likely to be tolerated. In summary, the available evidence is currently insufficient to determine the role of this variant in disease. Therefore, it has been classified as a Variant of Uncertain Significance.

NM_145725.3(TRAF3):c.456C>G (p.Asp152Glu)

Gene: TRAF3 (TNF receptor associated factor 3; plus strand). Cytogenetic location: 14q32.32.
Variant type: single nucleotide variant.
Coding change: c.456C>G on transcript NM_145725.3 (MANE Select); coding-DNA position 456, C replaced by G.
Protein change: p.Asp152Glu; replaces aspartic acid 152 with glutamic acid.
Molecular consequence: missense variant.
Genome position (GRCh38, 1-based): chr14:102,876,411, C>G. VCF-style: chr14-102876411-C-G. GRCh37 (hg19) VCF-style: chr14-103342748-C-G.
Other names: c.456C>G (NM_003300.3); c.456C>G, p.Asp152Glu (NM_001199427.2, NM_001385142.1, NM_001385143.1 and 2 more transcripts); short protein forms D152E.
Identifiers: ClinVar variation 1499904 (VCV001499904.7), dbSNP rs910521972, ClinGen allele CA267128909.